The following is an entry in ClinVar:

ClinVar aggregate classification (germline): Benign (1 of 4 stars; one submission).

Submission:

Women's Health and Genetics/Laboratory Corporation of America, LabCorp
Classification: Benign. Last evaluated: 2024-09-16. Review status: criteria provided, single submitter. Criteria: LabCorp Variant Classification Summary - May 2015. Collection method: clinical testing. Allele origin: germline.
Comment: Variant summary: The variant involves the duplication of exons 3-4 in the KCTD7 gene. A presumed nomenclature of c.(314+1_315-1)_(*3816_?)dup has been designated for the purposes of this classification. It is assumed to be a tandem duplication in direct orientation (PMIDs: 25640679, 30054569). The exact breakpoint at the 3' end of this variant is unknown, therefore this duplication may extend downstream of the annotated region of the gene. As it duplicates the termination codon, its effect on the encoded protein is unknown. A variant involving the duplication of exons 3-4 together with a large (~30 kb) DNA segment extending downstream of the gene, was found at a frequency of 0.0059 in 125166 control chromosomes, predominantly at a frequency of 0.02 within the African or African-American subpopulation in the gnomAD database (Structural Variants v4.1 dataset), including 93 homozygotes. The observed variant frequency within African or African-American control individuals in the gnomAD database is approximately 55-fold of the estimated maximal expected allele frequency for a pathogenic variant in KCTD7 causing Neuronal Ceroid-Lipofuscinosis (Batten Disease) phenotype (0.00035). A variant, described as c.(314+1_315-1)_(*3998_?)dup (Ex 3-4 dup), has been reported in the literature in a homozygous patient, who was affected with epilepsy and ataxia, which belongs to the Neuronal Ceroid-Lipofuscinosis (Batten Disease) symptom spectrum (Ganapathy_2019), however no exact breakpoints for this duplication were specified, and no supportive evidence for causality has been provided. This report therefore does not provide unequivocal conclusions about association of the variant with Neuronal Ceroid-Lipofuscinosis (Batten Disease). To our knowledge, no experimental evidence demonstrating an impact on protein function has been reported. The following publication have been ascertained in the context of this evaluation (PMID: 31069529). ClinVar contains an entry for this variant (Variation ID: 3245775). Based on the evidence outlined above, the reported large duplication variant (gnomAD) and similar variants is size, were classified as benign.

Literature cited by the submitters: PubMed 31069529.

NC_000007.13:g.(66098432_66103239)_(66108035_?)dup

Gene: KCTD7 (potassium channel tetramerization domain containing 7; plus strand). Cytogenetic location: 7q11.21.
Variant type: Duplication.
Identifiers: ClinVar variation 3374769 (VCV003374769.1).